The following is an entry in ClinVar:

ClinVar aggregate classification (germline): Uncertain significance (1 of 4 stars; one submission).

Conditions:
Long QT syndrome (LQTS). Identifiers: MedGen C0023976, MeSH D008133, MONDO:0002442. Disease mechanism: loss of function. Inheritance: Various modes of inheritance.

gnomAD v4.1: 1 of 1,465,346 alleles (0.000068%); highest among the groups gnomAD compares: Non-Finnish European, 0.00009%; no homozygotes.

Submission:

Labcorp Genetics (formerly Invitae), Labcorp
Classification: Uncertain significance for Long QT syndrome. Last evaluated: 2024-05-05. Review status: criteria provided, single submitter. Criteria: Invitae Variant Classification Sherloc (09022015). Collection method: clinical testing. Allele origin: germline.
Comment: This sequence change replaces valine, which is neutral and non-polar, with methionine, which is neutral and non-polar, at codon 196 of the KCNH2 protein (p.Val196Met). This variant is not present in population databases (gnomAD no frequency). This variant has not been reported in the literature in individuals affected with KCNH2-related conditions. An algorithm developed to predict the effect of missense changes on protein structure and function (PolyPhen-2) suggests that this variant is likely to be tolerated. In summary, the available evidence is currently insufficient to determine the role of this variant in disease. Therefore, it has been classified as a Variant of Uncertain Significance.

NM_000238.4(KCNH2):c.586G>A (p.Val196Met)

Gene: KCNH2 (potassium voltage-gated channel subfamily H member 2; minus strand). Cytogenetic location: 7q36.1.
Variant type: single nucleotide variant.
Coding change: c.586G>A on transcript NM_000238.4 (MANE Select); coding-DNA position 586, G replaced by A.
Protein change: p.Val196Met; replaces valine 196 with methionine.
Molecular consequence: missense variant. On other transcripts: non-coding transcript variant (1).
Genome position (GRCh38, 1-based): chr7:150,958,389, C>T on the plus strand (G>A on the coding strand, the complement: KCNH2 is on the minus strand). VCF-style: chr7-150958389-C-T. GRCh37 (hg19) VCF-style: chr7-150655477-C-T.
Other names: c.298G>A, p.Val100Met (NM_001406753.1, NM_001406756.1); c.409G>A, p.Val137Met (NM_001406755.1); c.286G>A, p.Val96Met (NM_001406757.1); c.586G>A, p.Val196Met (NM_172056.3); short protein forms V137M, V196M, V96M, V100M.
Identifiers: ClinVar variation 3652198 (VCV003652198.2).